The following is an entry in ClinVar:

NM_000203.5(IDUA):c.494-43C>T

Gene: IDUA (alpha-L-iduronidase; plus strand). Cytogenetic location: 4p16.3.
Variant type: single nucleotide variant.
Coding change: c.494-43C>T on transcript NM_000203.5 (MANE Select); 43 bases into the intron before coding-DNA position 494, C replaced by T.
Molecular consequence: intron variant.
Genome position (GRCh38, 1-based): chr4:1,001,425, C>T. VCF-style: chr4-1001425-C-T. GRCh37 (hg19) VCF-style: chr4-995213-C-T.
Other names: c.98-43C>T (NM_001363576.1).
Identifiers: ClinVar variation 2580207 (VCV002580207.1), dbSNP rs147390369, ClinGen allele CA2801958.
Genomic context (GRCh38, chr4:1,001,425, plus strand): 5'-TCATCTTGAGTCAGACGCCCTTCATCACCTTGCACCCTCCCTCCGTGGGAGTCACTGAGG[C>T]GAGATTCACCTGTGCTGGGGGGACAGCAAGGCTCCTCTGCAGGTAGGTACGGACTGGCGC-3'

ClinVar aggregate classification (germline): Uncertain significance (1 of 4 stars; one submission).

Conditions:
Mucopolysaccharidosis type 1. Also called: IDUA deficiency; MPS I. Identifiers: Orphanet 579, MedGen C0023786, MONDO:0001586.

Allele frequency attached by ClinVar (database versions not stated): gnomAD 0.00002; TOPMed 0.00007; 1000 Genomes Project 30x 0.00016; ExAC 0.00017; 1000 Genomes Project 0.00020.
gnomAD v4.1: 63 of 1,538,528 alleles (0.0041%); highest among the groups gnomAD compares: Admixed American, 0.097%; no homozygotes.

Submission:

Illumina Laboratory Services, Illumina
Classification: Uncertain significance for Mucopolysaccharidosis type 1. Last evaluated: 2023-04-11. Review status: criteria provided, single submitter. Criteria: ICSLVariantClassificationCriteria RUGD 01 April 2020. Collection method: clinical testing. Allele origin: unknown.
Comment: The IDUA c.494-43C>T variant occurs in an intron. To our knowledge, this variant has not been reported in the peer-reviewed literature. The highest frequency of this allele in the Genome Aggregation Database is 0.001638 in the Latino population (version 2.1.1). Based on the available evidence, the c.494-43C>T variant is classified as a variant of uncertain significance for mucopolysaccharidosis type I.